The following is an entry in ClinVar:

NM_144670.6(A2ML1):c.3814T>C (p.Phe1272Leu)

Gene: A2ML1 (alpha-2-macroglobulin like 1; plus strand). Cytogenetic location: 12p13.31.
Variant type: single nucleotide variant.
Coding change: c.3814T>C on transcript NM_144670.6 (MANE Select); coding-DNA position 3814, T replaced by C.
Protein change: p.Phe1272Leu; replaces phenylalanine 1272 with leucine.
Molecular consequence: missense variant.
Genome position (GRCh38, 1-based): chr12:8,867,938, T>C. VCF-style: chr12-8867938-T-C. GRCh37 (hg19) VCF-style: chr12-9020534-T-C.
Other names: c.2341T>C, p.Phe781Leu (NM_001282424.3); short protein forms F1272L, F781L.
Identifiers: ClinVar variation 3646346 (VCV003646346.2).

ClinVar aggregate classification (germline): Uncertain significance (1 of 4 stars; one submission).

Submission:

Labcorp Genetics (formerly Invitae), Labcorp
Classification: Uncertain significance. Last evaluated: 2024-03-16. Review status: criteria provided, single submitter. Criteria: Invitae Variant Classification Sherloc (09022015). Collection method: clinical testing. Allele origin: germline.
Comment: This sequence change replaces phenylalanine, which is neutral and non-polar, with leucine, which is neutral and non-polar, at codon 1272 of the A2ML1 protein (p.Phe1272Leu). This variant is not present in population databases (gnomAD no frequency). This variant has not been reported in the literature in individuals affected with A2ML1-related conditions. An algorithm developed to predict the effect of missense changes on protein structure and function (PolyPhen-2) suggests that this variant is likely to be disruptive. In summary, the available evidence is currently insufficient to determine the role of this variant in disease. Therefore, it has been classified as a Variant of Uncertain Significance.